The following is an entry in ClinVar:

ClinVar aggregate classification (germline): Uncertain significance (1 of 4 stars; one submission).

Submission:

Ambry Genetics
Classification: Uncertain significance. Last evaluated: 2026-01-06. Review status: criteria provided, single submitter. Criteria: Ambry Variant Classification Scheme 2023. Collection method: clinical testing. Allele origin: germline.
Comment: The p.R19H variant (also known as c.56G>A), located in coding exon 1 of the ATRIP gene, results from a G to A substitution at nucleotide position 56. The arginine at codon 19 is replaced by histidine, an amino acid with highly similar properties. This amino acid position is conserved. In addition, this alteration is predicted to be tolerated by in silico analysis. Based on the available evidence, the clinical significance of this variant remains unclear.

NM_130384.3(ATRIP):c.56G>A (p.Arg19His)

Genes: ATRIP (ATR interacting protein; plus strand), ATRIP-TREX1 (ATRIP-TREX1 readthrough; plus strand), LOC129936703 (ATAC-STARR-seq lymphoblastoid silent region 14331; plus strand). Cytogenetic location: 3p21.31.
Variant type: single nucleotide variant.
Coding change: c.56G>A on transcript NM_130384.3 (MANE Select); coding-DNA position 56, G replaced by A.
Protein change: p.Arg19His; replaces arginine 19 with histidine.
Molecular consequence: missense variant. On other transcripts: non-coding transcript variant (1), intron variant (1).
Genome position (GRCh38, 1-based): chr3:48,446,901, G>A. VCF-style: chr3-48446901-G-A. GRCh37 (hg19) VCF-style: chr3-48488305-G-A.
Other names: c.56G>A, p.Arg19His (NM_032166.4); c.-218+102G>A (NM_001271022.2); short protein forms R19H.
Identifiers: ClinVar variation 4842183 (VCV004842183.1).
Genomic context (GRCh38, chr3:48,446,901, plus strand): 5'-AAAGCATGGCGGGGACCTCCGCGCCAGGCAGCAAGAGGCGGAGCGAGCCCCCGGCGCCTC[G>A]CCCCGGCCCGCCGCCGGGCACCGGGCACCCCCCGAGCAAGCGGGCCCGGGGCTTCTCCGC-3'
Protein context (NP_569055.1, residues 9-29): SKRRSEPPAP[Arg19His]PGPPPGTGHP